The following is an entry in ClinVar:

NM_000551.4(VHL):c.232A>C (p.Asn78His)

Gene: VHL (von Hippel-Lindau tumor suppressor; plus strand). Cytogenetic location: 3p25.3.
Variant type: single nucleotide variant.
Coding change: c.232A>C on transcript NM_000551.4 (MANE Select); coding-DNA position 232, A replaced by C.
Protein change: p.Asn78His; replaces asparagine 78 with histidine.
Molecular consequence: missense variant.
Genome position (GRCh38, 1-based): chr3:10,142,079, A>C. VCF-style: chr3-10142079-A-C. GRCh37 (hg19) VCF-style: chr3-10183763-A-C.
Other names: c.232A>C, p.Asn78His (NM_001354723.2, NM_198156.3); short protein forms N78H.
Identifiers: ClinVar variation 625225 (VCV000625225.17), dbSNP rs869025621, ClinGen allele CA351749283.

ClinVar aggregate classification (germline): Pathogenic. Review status: criteria provided, single submitter (1 of 4 stars). 2 submissions from 2 submitters: Pathogenic (1). 1 of the submissions does not count toward it. Last evaluated 2018-08-01.

Conditions:
Von Hippel-Lindau syndrome (VHLS). Also called: von Hippel–Lindau syndrome; Von Hippel-Lindau; VHL syndrome. Identifiers: Orphanet 892, MedGen C0019562, MONDO:0008667, OMIM 193300. Disease mechanism: loss of function.

Submissions (2):

Genomic Diagnostic Laboratory, Division of Genomic Diagnostics, Children's Hospital of Philadelphia
Classification: Pathogenic for von Hippel-Lindau syndrome. Last evaluated: 2018-08-01. Review status: criteria provided, single submitter. Criteria: DGD Variant Analysis Guidelines. Collection method: clinical testing. Allele origin: germline. Affected: yes. Observed: 1 variant allele.

deCODE genetics, Amgen
Classification: Pathogenic for Von Hippel-Lindau syndrome. Last evaluated: 2023-07-21. Review status: no assertion criteria provided. Collection method: research. Allele origin: germline. Affected: yes. Observed: 6 variant alleles. Not counted in ClinVar's aggregate classification.
Comment: The variant NM_000551.4:c.232A>C (chr3:10142079) in VHL was detected in 2 heterozygotes out of 58K WGS Icelanders (MAF= 0,002%). Following imputation in a set of 166K Icelanders (6 imputed heterozygotes) we observed an association with brain cancer using 1517 cases and 372836 controls (OR= 77.79, P= 2.06e-06) and renal cell carcinoma using 1921 cases and 355981 controls (OR= 52.62, P= 1.93e-04). This variant has been reported in ClinVar previously as pathogenic. Based on ACMG criteria (PS4, PM1, PM5, PP3, PP5) this variant classifies as pathogenic.